The following is an entry in ClinVar:

ClinVar aggregate classification (germline): Uncertain significance. Review status: criteria provided, multiple submitters, no conflicts (2 of 4 stars). 3 submissions from 3 submitters: Uncertain significance (3). Last evaluated 2025-11-30.

Conditions:
Hereditary cancer-predisposing syndrome. Also called: Neoplastic Syndromes, Hereditary; Tumor predisposition; Hereditary neoplastic syndrome; Hereditary Cancer Syndrome. Identifiers: Orphanet 140162, MedGen C0027672, MeSH D009386, MONDO:0015356.

Allele frequency attached by ClinVar (database versions not stated): gnomAD exomes below 0.00001 and 0.00001; ExAC 0.00002.
gnomAD v4.1: 6 of 1,613,944 alleles (0.00037%); highest among the groups gnomAD compares: Non-Finnish European, 0.00051%; no homozygotes.

Submissions (3):

Ambry Genetics
Classification: Uncertain significance for Hereditary cancer-predisposing syndrome. Last evaluated: 2025-11-30. Review status: criteria provided, single submitter. Criteria: Ambry Variant Classification Scheme 2023. Collection method: clinical testing. Allele origin: germline.
Comment: The p.F194I variant (also known as c.580T>A), located in coding exon 1 of the HOXB13 gene, results from a T to A substitution at nucleotide position 580. The phenylalanine at codon 194 is replaced by isoleucine, an amino acid with highly similar properties. This amino acid position is highly conserved through mammals but not in all available vertebrate species. In addition, this alteration is predicted to be tolerated by in silico analysis. Since supporting evidence is limited at this time, the clinical significance of this alteration remains unclear.

Labcorp Genetics (formerly Invitae), Labcorp
Classification: Uncertain significance. Last evaluated: 2023-05-13. Review status: criteria provided, single submitter. Criteria: Invitae Variant Classification Sherloc (09022015). Collection method: clinical testing. Allele origin: germline.
Comment: ClinVar contains an entry for this variant (Variation ID: 825988). This sequence change replaces phenylalanine, which is neutral and non-polar, with isoleucine, which is neutral and non-polar, at codon 194 of the HOXB13 protein (p.Phe194Ile). This variant is present in population databases (rs780355420, gnomAD 0.002%). This variant has not been reported in the literature in individuals affected with HOXB13-related conditions. In summary, the available evidence is currently insufficient to determine the role of this variant in disease. Therefore, it has been classified as a Variant of Uncertain Significance. Advanced modeling of protein sequence and biophysical properties (such as structural, functional, and spatial information, amino acid conservation, physicochemical variation, residue mobility, and thermodynamic stability) performed at Invitae indicates that this missense variant is not expected to disrupt HOXB13 protein function.

GeneDx
Classification: Uncertain significance. Last evaluated: 2023-04-20. Review status: criteria provided, single submitter. Criteria: GeneDx Variant Classification Process June 2021. Collection method: clinical testing. Allele origin: germline. Affected: yes.
Comment: Not observed at significant frequency in large population cohorts (gnomAD); In silico analysis supports that this missense variant does not alter protein structure/function; Has not been previously published as pathogenic or benign to our knowledge; This variant is associated with the following publications: (PMID: 19389631, 28272408)

NM_006361.6(HOXB13):c.580T>A (p.Phe194Ile)

Gene: HOXB13 (homeobox B13; minus strand). Cytogenetic location: 17q21.32.
Variant type: single nucleotide variant.
Coding change: c.580T>A on transcript NM_006361.6 (MANE Select); coding-DNA position 580, T replaced by A.
Protein change: p.Phe194Ile; replaces phenylalanine 194 with isoleucine.
Molecular consequence: missense variant.
Genome position (GRCh38, 1-based): chr17:48,728,014, A>T on the plus strand (T>A on the coding strand, the complement: HOXB13 is on the minus strand). VCF-style: chr17-48728014-A-T. GRCh37 (hg19) VCF-style: chr17-46805376-A-T.
Other names: short protein forms F194I.
Identifiers: ClinVar variation 825988 (VCV000825988.11), dbSNP rs780355420, ClinGen allele CA8633966.
Genomic context (GRCh38, chr17:48,728,014, plus strand): 5'-CAGGCTCAGAGACAAGGGGACCCAGGGTAATAGAGGTACCTGCAAATGCTGCCTTCCAAA[A>T]GGGACCTGGTGGGTTCTGTTCTCCCTGGCAACACATCTGGCTGTTCCAGCCACCAGCGAG-3'
Protein context (NP_006352.2, residues 184-204): CQGEQNPPGP[Phe194Ile]WKAAFADSSG